The following is an entry in ClinVar:

NM_004064.5(CDKN1B):c.173G>C (p.Arg58Pro)

Gene: CDKN1B (cyclin dependent kinase inhibitor 1B; plus strand). Cytogenetic location: 12p13.1.
Variant type: single nucleotide variant.
Coding change: c.173G>C on transcript NM_004064.5 (MANE Select); coding-DNA position 173, G replaced by C.
Protein change: p.Arg58Pro; replaces arginine 58 with proline.
Molecular consequence: missense variant.
Genome position (GRCh38, 1-based): chr12:12,718,012, G>C. VCF-style: chr12-12718012-G-C. GRCh37 (hg19) VCF-style: chr12-12870946-G-C.
Other names: c.173G>C (NM_004064.3); short protein forms R58P.
Identifiers: ClinVar variation 1522756 (VCV001522756.9), dbSNP rs1187039160, ClinGen allele CA383969202.

ClinVar aggregate classification (germline): Uncertain significance. Review status: criteria provided, multiple submitters, no conflicts (2 of 4 stars). 2 submissions from 2 submitters: Uncertain significance (2). Last evaluated 2024-12-20.

Conditions:
Hereditary cancer-predisposing syndrome. Also called: Tumor predisposition; Hereditary neoplastic syndrome; Neoplastic Syndromes, Hereditary; Hereditary Cancer Syndrome. Identifiers: Orphanet 140162, MedGen C0027672, MeSH D009386, MONDO:0015356.
Multiple endocrine neoplasia type 4. Also called: MULTIPLE ENDOCRINE NEOPLASIA, TYPE IV. Identifiers: Orphanet 276152, MedGen C1970712, MONDO:0012552, OMIM 610755.

Submissions (2):

Ambry Genetics
Classification: Uncertain significance for Hereditary cancer-predisposing syndrome. Last evaluated: 2024-12-20. Review status: criteria provided, single submitter. Criteria: Ambry Variant Classification Scheme 2023. Collection method: clinical testing. Allele origin: germline.
Comment: The p.R58P variant (also known as c.173G>C), located in coding exon 1 of the CDKN1B gene, results from a G to C substitution at nucleotide position 173. The arginine at codon 58 is replaced by proline, an amino acid with dissimilar properties. This amino acid position is conserved. In addition, the in silico prediction for this alteration is inconclusive. Based on the available evidence, the clinical significance of this variant remains unclear.

Labcorp Genetics (formerly Invitae), Labcorp
Classification: Uncertain significance for Multiple endocrine neoplasia type 4. Last evaluated: 2024-11-05. Review status: criteria provided, single submitter. Criteria: Invitae Variant Classification Sherloc (09022015). Collection method: clinical testing. Allele origin: germline.
Comment: This sequence change replaces arginine, which is basic and polar, with proline, which is neutral and non-polar, at codon 58 of the CDKN1B protein (p.Arg58Pro). This variant is not present in population databases (gnomAD no frequency). This variant has not been reported in the literature in individuals affected with CDKN1B-related conditions. ClinVar contains an entry for this variant (Variation ID: 1522756). An algorithm developed to predict the effect of missense changes on protein structure and function (PolyPhen-2) suggests that this variant is likely to be disruptive. In summary, the available evidence is currently insufficient to determine the role of this variant in disease. Therefore, it has been classified as a Variant of Uncertain Significance.